The following is an entry in ClinVar:

NM_001276270.2(MBD4):c.947C>A (p.Ser316Ter)

Gene: MBD4 (methyl-CpG binding domain 4, DNA glycosylase; minus strand). Cytogenetic location: 3q21.3.
Variant type: single nucleotide variant.
Coding change: c.947C>A on transcript NM_001276270.2 (MANE Select); coding-DNA position 947, C replaced by A.
Protein change: p.Ser316Ter; replaces serine 316 with a stop codon.
Molecular consequence: nonsense. On other transcripts: intron variant (1).
Genome position (GRCh38, 1-based): chr3:129,436,697, G>T on the plus strand (C>A on the coding strand, the complement: MBD4 is on the minus strand). VCF-style: chr3-129436697-G-T. GRCh37 (hg19) VCF-style: chr3-129155540-G-T.
Other names: c.947C>A (NM_003925.2); c.947C>A, p.Ser316Ter (NM_001276271.2, NM_001276272.2, NM_003925.3); c.247+1111C>A (NM_001276273.2); short protein forms S316*.
Identifiers: ClinVar variation 3685933 (VCV003685933.4).

ClinVar aggregate classification (germline): Pathogenic/Likely pathogenic. Review status: criteria provided, multiple submitters, no conflicts (2 of 4 stars). 3 submissions from 3 submitters: Pathogenic (2); Likely pathogenic (1). Last evaluated 2026-01-14.

Conditions:
Inborn genetic diseases. Identifiers: MedGen C0950123, MeSH D030342.
MBD4-related disorder. Also called: MBD4-related condition.

gnomAD v4.1: 1 of 1,613,944 alleles (0.000062%); highest among the groups gnomAD compares: African/African-American, 0.0013%; no homozygotes.

Submissions (3):

Labcorp Genetics (formerly Invitae), Labcorp
Classification: Pathogenic. Last evaluated: 2026-01-14. Review status: criteria provided, single submitter. Criteria: Invitae Variant Classification Sherloc (09022015). Collection method: clinical testing. Allele origin: germline.
Comment: This sequence change creates a premature translational stop signal (p.Ser316*) in the MBD4 gene. It is expected to result in an absent or disrupted protein product. Loss-of-function variants in MBD4 are known to be pathogenic (PMID: 30049810, 35460607). The frequency data for this variant in the population databases is considered unreliable, as metrics indicate poor data quality at this position in the gnomAD database. This variant has not been reported in the literature in individuals affected with MBD4-related conditions. ClinVar contains an entry for this variant (Variation ID: 3685933). For these reasons, this variant has been classified as Pathogenic.

Ambry Genetics
Classification: Pathogenic for Inborn genetic diseases. Last evaluated: 2025-12-08. Review status: criteria provided, single submitter. Criteria: Ambry Variant Classification Scheme 2023. Collection method: clinical testing. Allele origin: germline.
Comment: The p.S316* pathogenic mutation (also known as c.947C>A), located in coding exon 3 of the MBD4 gene, results from a C to A substitution at nucleotide position 947. This changes the amino acid from a serine to a stop codon within coding exon 3. This alteration is expected to result in loss of function by premature protein truncation or nonsense-mediated mRNA decay. As such, this alteration is interpreted as a disease-causing mutation.

PreventionGenetics, part of Exact Sciences
Classification: Likely pathogenic for MBD4-related condition. Last evaluated: 2025-04-20. Review status: criteria provided, single submitter. Criteria: ACMG Guidelines, 2015. Collection method: clinical testing. Allele origin: germline.
Comment: The MBD4 c.947C>A variant is predicted to result in premature protein termination (p.Ser316*). To our knowledge, this variant has not been reported in the literature. This variant is reported in 0.0063% of alleles in individuals of African descent in gnomAD. Nonsense variants in MBD4 are expected to be pathogenic. This variant is interpreted as likely pathogenic.

Literature cited by the submitters: PubMed 30049810 (cited by Labcorp Genetics (formerly Invitae), Labcorp); PubMed 35460607 (cited by Labcorp Genetics (formerly Invitae), Labcorp).